The following is an entry in ClinVar:

NM_000455.5(STK11):c.921-5T>C

Gene: STK11 (serine/threonine kinase 11; plus strand). Cytogenetic location: 19p13.3.
Variant type: single nucleotide variant.
Coding change: c.921-5T>C on transcript NM_000455.5 (MANE Select); 5 bases into the intron before coding-DNA position 921, T replaced by C.
Molecular consequence: intron variant.
Genome position (GRCh38, 1-based): chr19:1,222,980, T>C. VCF-style: chr19-1222980-T-C. GRCh37 (hg19) VCF-style: chr19-1222979-T-C.
Other names: c.921-5T>C (NM_000455.4).
Identifiers: ClinVar variation 1542286 (VCV001542286.10), dbSNP rs2145430591, ClinGen allele CA2573155777.

ClinVar aggregate classification (germline): Conflicting classifications of pathogenicity. Review status: criteria provided, conflicting classifications (1 of 4 stars). 3 submissions from 3 submitters: Uncertain significance (1); Likely benign (2). Last evaluated 2025-03-28.

Conditions:
Hereditary cancer-predisposing syndrome. Also called: Tumor predisposition; Hereditary Cancer Syndrome; Hereditary neoplastic syndrome; Neoplastic Syndromes, Hereditary. Identifiers: Orphanet 140162, MedGen C0027672, MeSH D009386, MONDO:0015356.
Peutz-Jeghers syndrome (PJS). Also called: POLYPOSIS, HAMARTOMATOUS INTESTINAL; POLYPS-AND-SPOTS SYNDROME; Peutz-Jeghers polyposis; Periorificial lentiginosis syndrome. Identifiers: Orphanet 2869, MedGen C0031269, MeSH D010580, MONDO:0008280, OMIM 175200.

Submissions (3):

Myriad Genetics, Inc.
Classification: Likely benign for Peutz-Jeghers syndrome. Last evaluated: 2025-03-28. Review status: criteria provided, single submitter. Criteria: Myriad Autosomal Dominant, Autosomal Recessive and X-Linked Classification Criteria (2023). Collection method: clinical testing. Allele origin: unknown.
Comment: This variant is considered likely benign. This variant is intronic and is not expected to impact mRNA splicing.

Labcorp Genetics (formerly Invitae), Labcorp
Classification: Likely benign for Peutz-Jeghers syndrome. Last evaluated: 2024-04-25. Review status: criteria provided, single submitter. Criteria: Invitae Variant Classification Sherloc (09022015). Collection method: clinical testing. Allele origin: germline.

Ambry Genetics
Classification: Uncertain significance for Hereditary cancer-predisposing syndrome. Last evaluated: 2022-11-03. Review status: criteria provided, single submitter. Criteria: Ambry Variant Classification Scheme 2023. Collection method: clinical testing. Allele origin: germline.
Comment: The c.921-5T>C intronic variant results from a T to C substitution 5 nucleotides upstream from coding exon 8 in the STK11 gene. This nucleotide position is not well conserved in available vertebrate species. In silico splice site analysis for this alteration is inconclusive; however, direct evidence is insufficient at this time (Ambry internal data). Since supporting evidence is limited at this time, the clinical significance of this alteration remains unclear.